The following is an entry in ClinVar:

ClinVar aggregate classification (germline): Uncertain significance (1 of 4 stars; one submission).

Conditions:
Hereditary cancer-predisposing syndrome. Also called: Hereditary neoplastic syndrome; Hereditary Cancer Syndrome; Neoplastic Syndromes, Hereditary; Tumor predisposition. Identifiers: Orphanet 140162, MedGen C0027672, MeSH D009386, MONDO:0015356.

Submission:

Color Diagnostics, LLC DBA Color Health
Classification: Uncertain significance for Hereditary cancer-predisposing syndrome. Last evaluated: 2022-02-14. Review status: criteria provided, single submitter. Criteria: ACMG Guidelines, 2015. Collection method: clinical testing. Allele origin: germline.
Comment: This variant alters three basepairs resulting in a missense substitution of valine with leucine at codon 894 of the PALB2 protein. To our knowledge, functional studies have not been reported for this variant. This variant has not been reported in individuals affected with hereditary cancer in the literature. This variant has not been identified in the general population by the Genome Aggregation Database (gnomAD). The available evidence is insufficient to determine the role of this variant in disease conclusively. Therefore, this variant is classified as a Variant of Uncertain Significance.

NM_024675.4(PALB2):c.2680_2682delinsTTG (p.Val894Leu)

Gene: PALB2 (partner and localizer of BRCA2; minus strand). Cytogenetic location: 16p12.2.
Variant type: Indel.
Coding change: c.2680_2682delinsTTG on transcript NM_024675.4 (MANE Select); coding-DNA positions 2680 to 2682, GTA replaced by TTG.
Protein change: p.Val894Leu; replaces valine 894 with leucine.
Molecular consequence: missense variant. On other transcripts: intron variant (3).
Genome position (GRCh38, 1-based): chr16:23,626,302-23,626,304, TAC replaced by CAA on the plus strand (GTA replaced by TTG on the coding strand, the reverse complement: PALB2 is on the minus strand). VCF-style: chr16-23626302-TAC-CAA. GRCh37 (hg19) VCF-style: chr16-23637623-TAC-CAA.
Other names: c.214_216delinsTTG, p.Val72Leu (NM_001407314.1); c.2587-2210_2587-2208delinsTTG (NM_001407302.1, NM_001407298.1); c.1702-2210_1702-2208delinsTTG (NM_001407307.1); c.2620_2622delinsTTG, p.Val874Leu (NM_001407296.1); c.2608_2610delinsTTG, p.Val870Leu (NM_001407297.1); c.2680_2682delinsTTG, p.Val894Leu (NM_001407299.1, NM_001407300.1, NM_001407301.1); c.1795_1797delinsTTG, p.Val599Leu (NM_001407304.1, NM_001407305.1, NM_001407306.1 and 4 more transcripts); c.892_894delinsTTG, p.Val298Leu (NM_001407312.1, NM_001407313.1); short protein forms V870L, V298L, V599L, V874L, V894L, V72L.
Identifiers: ClinVar variation 2774000 (VCV002774000.2), dbSNP rs2506371029, ClinGen allele CA2697555716.